The following is an entry in ClinVar:

NM_006080.3(SEMA3A):c.1353C>T (p.Ile451=)

Gene: SEMA3A (semaphorin 3A; minus strand). Cytogenetic location: 7q21.11.
Variant type: single nucleotide variant.
Coding change: c.1353C>T on transcript NM_006080.3 (MANE Select); coding-DNA position 1353, C replaced by T.
Protein change: p.Ile451=; no amino-acid change (isoleucine 451 retained).
Molecular consequence: synonymous variant.
Genome position (GRCh38, 1-based): chr7:84,005,346, G>A on the plus strand (C>T on the coding strand, the complement: SEMA3A is on the minus strand). VCF-style: chr7-84005346-G-A. GRCh37 (hg19) VCF-style: chr7-83634662-G-A.
Identifiers: ClinVar variation 3054522 (VCV003054522.2), dbSNP rs138570323, ClinGen allele CA4322786.

ClinVar aggregate classification (germline): Likely benign (0 of 4 stars; one submission).

Conditions:
SEMA3A-related disorder. Also called: SEMA3A-related condition.

Allele frequency attached by ClinVar (database versions not stated): ExAC 0.00005; TOPMed 0.00010; gnomAD 0.00012; 1000 Genomes Project 30x 0.00016; 1000 Genomes Project 0.00020; ESP Exome Variant Server 0.00031.
gnomAD v4.1: 36 of 1,610,832 alleles (0.0022%); highest among the groups gnomAD compares: African/African-American, 0.035%; no homozygotes.

Submission:

PreventionGenetics, part of Exact Sciences
Classification: Likely benign for SEMA3A-related condition. Last evaluated: 2022-05-19. Review status: no assertion criteria provided. Collection method: clinical testing. Allele origin: germline.
Comment: This variant is classified as likely benign based on ACMG/AMP sequence variant interpretation guidelines (Richards et al. 2015 PMID: 25741868, with internal and published modifications).